The following is an entry in ClinVar:

NM_024675.4(PALB2):c.3003A>G (p.Lys1001=)

Gene: PALB2 (partner and localizer of BRCA2; minus strand). Cytogenetic location: 16p12.2.
Variant type: single nucleotide variant.
Coding change: c.3003A>G on transcript NM_024675.4 (MANE Select); coding-DNA position 3003, A replaced by G.
Protein change: p.Lys1001=; no amino-acid change (lysine 1001 retained).
Molecular consequence: synonymous variant. On other transcripts: intron variant (1).
Genome position (GRCh38, 1-based): chr16:23,621,472, T>C on the plus strand (A>G on the coding strand, the complement: PALB2 is on the minus strand). VCF-style: chr16-23621472-T-C. GRCh37 (hg19) VCF-style: chr16-23632793-T-C.
Other names: c.2943A>G, p.Lys981= (NM_001407296.1); c.2931A>G, p.Lys977= (NM_001407297.1); c.2841A>G, p.Lys947= (NM_001407298.1, NM_001407302.1); c.3003A>G, p.Lys1001= (NM_001407299.1, NM_001407301.1); c.2118A>G, p.Lys706= (NM_001407304.1, NM_001407305.1, NM_001407306.1 and 4 more transcripts); c.1956A>G, p.Lys652= (NM_001407307.1); c.1215A>G, p.Lys405= (NM_001407312.1, NM_001407313.1); c.537A>G, p.Lys179= (NM_001407314.1); and 1 more.
Identifiers: ClinVar variation 3891902 (VCV003891902.3).

ClinVar aggregate classification (germline): Benign/Likely benign. Review status: criteria provided, multiple submitters, no conflicts (2 of 4 stars). 3 submissions from 3 submitters: Benign (1); Likely benign (2). Last evaluated 2025-12-29.

Conditions:
Breast-ovarian cancer, familial, susceptibility to, 5 (BROVCA5). Identifiers: MedGen C5830615, MONDO:0957530, OMIM 620442.
Fanconi anemia complementation group N. Also called: PALB2-Related Fanconi Anemia. Identifiers: Orphanet 84, MedGen C1835817, MONDO:0012565, OMIM 610832. Disease mechanism: loss of function.
Pancreatic cancer, susceptibility to, 3. Identifiers: Orphanet 1333, MedGen C3150547, MONDO:0013236, OMIM 613348.
Familial cancer of breast. Also called: BREAST CANCER, FAMILIAL; hereditary breast carcinoma; Hereditary breast cancer. Identifiers: Orphanet 227535, MedGen C0346153, MONDO:0016419, OMIM 114480. Disease mechanism: loss of function.

Submissions (3):

Center for Genomic Medicine, Rigshospitalet, Copenhagen University Hospital
Classification: Likely benign. Last evaluated: 2025-12-29. Review status: criteria provided, single submitter. Criteria: ACMG Guidelines, 2015. Collection method: clinical testing. Allele origin: germline.

Myriad Genetics, Inc.
Classification: Benign for Familial cancer of breast. Last evaluated: 2025-01-21. Review status: criteria provided, single submitter. Criteria: Myriad Autosomal Dominant, Autosomal Recessive and X-Linked Classification Criteria (2023). Collection method: clinical testing. Allele origin: unknown.
Comment: This variant is considered benign. This variant is a silent/synonymous amino acid change and it is not expected to impact splicing.

Department of Pathology and Laboratory Medicine, Sinai Health System
Classification: Likely benign for Fanconi anemia complementation group N; Pancreatic cancer, susceptibility to, 3; Breast-ovarian cancer, familial, susceptibility to, 5. Last evaluated: 2024-09-20. Review status: criteria provided, single submitter. Criteria: ACMG Guidelines, 2015. Collection method: clinical testing. Allele origin: germline.